The following is an entry in ClinVar:

ClinVar aggregate classification (germline): Uncertain significance (1 of 4 stars; one submission).

Conditions:
Hereditary cancer-predisposing syndrome. Also called: Hereditary neoplastic syndrome; Neoplastic Syndromes, Hereditary; Tumor predisposition; Hereditary Cancer Syndrome. Identifiers: Orphanet 140162, MedGen C0027672, MeSH D009386, MONDO:0015356.

Submission:

Ambry Genetics
Classification: Uncertain significance for Hereditary cancer-predisposing syndrome. Last evaluated: 2025-02-19. Review status: criteria provided, single submitter. Criteria: Ambry Variant Classification Scheme 2023. Collection method: clinical testing. Allele origin: germline.
Comment: The p.K721N variant (also known as c.2163A>C), located in coding exon 13 of the DICER1 gene, results from an A to C substitution at nucleotide position 2163. The lysine at codon 721 is replaced by asparagine, an amino acid with similar properties. This amino acid position is conserved. In addition, this alteration is predicted to be tolerated by in silico analysis. Based on the available evidence, the clinical significance of this variant remains unclear.

NM_177438.3(DICER1):c.2163A>C (p.Lys721Asn)

Gene: DICER1 (dicer 1, ribonuclease III; minus strand). Cytogenetic location: 14q32.13.
Variant type: single nucleotide variant.
Coding change: c.2163A>C on transcript NM_177438.3 (MANE Select); coding-DNA position 2163, A replaced by C.
Protein change: p.Lys721Asn; replaces lysine 721 with asparagine.
Molecular consequence: missense variant. On other transcripts: non-coding transcript variant (6).
Genome position (GRCh38, 1-based): chr14:95,111,410, T>G on the plus strand (A>C on the coding strand, the complement: DICER1 is on the minus strand). VCF-style: chr14-95111410-T-G. GRCh37 (hg19) VCF-style: chr14-95577747-T-G.
Other names: c.2163A>C, p.Lys721Asn (NM_001195573.1, NM_001271282.3, NM_001291628.2 and 12 more transcripts); c.1881A>C, p.Lys627Asn (NM_001395686.1); c.1758A>C, p.Lys586Asn (NM_001395687.1, NM_001395688.1, NM_001395689.1 and 3 more transcripts); c.1596A>C, p.Lys532Asn (NM_001395691.1); c.480A>C, p.Lys160Asn (NM_001395697.1); short protein forms K532N, K627N, K160N, K586N, K721N.
Identifiers: ClinVar variation 3840041 (VCV003840041.1).
Genomic context (GRCh38, chr14:95,111,410, plus strand): 5'-ACCTGGTCTTCCTGGAACACTGGTCTCTTCTTCATCATGCAAATCAAGCTCCTCTTCATA[T>G]TTAACAGTCTCTTTCCCAACTGGCATCAAATGGTCATCCAGTTCGCCTAACAAATTTAAA-3'
Protein context (NP_803187.1, residues 711-731): HLMPVGKETV[Lys721Asn]YEEELDLHDE